The following is an entry in ClinVar:

NM_001367624.2(ZNF469):c.11759A>T (p.His3920Leu)

Gene: ZNF469 (zinc finger protein 469; plus strand). Cytogenetic location: 16q24.2.
Variant type: single nucleotide variant.
Coding change: c.11759A>T on transcript NM_001367624.2 (MANE Select); coding-DNA position 11759, A replaced by T.
Protein change: p.His3920Leu; replaces histidine 3920 with leucine.
Molecular consequence: missense variant.
Genome position (GRCh38, 1-based): chr16:88,439,229, A>T. VCF-style: chr16-88439229-A-T. GRCh37 (hg19) VCF-style: chr16-88505637-A-T.
Other names: NM_001127464.2:c.11675A>T; short protein forms H3920L.
Identifiers: ClinVar variation 1437060 (VCV001437060.16), dbSNP rs188087134, ClinGen allele CA8225640.

ClinVar aggregate classification (germline): Uncertain significance. Review status: criteria provided, multiple submitters, no conflicts (2 of 4 stars). 5 submissions from 5 submitters: Uncertain significance (5). Last evaluated 2026-04-08.

Conditions:
ZNF469-related disorder. Also called: ZNF469-related condition.

Allele frequency attached by ClinVar (database versions not stated): gnomAD exomes 0.00003 and 0.00005; gnomAD 0.00004 and 0.00005; ExAC 0.00005; TOPMed 0.00007; 1000 Genomes Project 30x 0.00031; 1000 Genomes Project 0.00040.
gnomAD v4.1: 57 of 1,550,456 alleles (0.0037%); highest among the groups gnomAD compares: Middle Eastern, 0.2%; no homozygotes.

Submissions (5):

Women's Health and Genetics/Laboratory Corporation of America, LabCorp
Classification: Uncertain significance. Last evaluated: 2026-04-08. Review status: criteria provided, single submitter. Criteria: LabCorp Variant Classification Summary - May 2015. Collection method: clinical testing. Allele origin: germline.
Comment: Variant summary: ZNF469 c.11759A>T (p.His3920Leu) results in a non-conservative amino acid change in the encoded protein sequence. Algorithms developed to predict the effect of missense changes on protein structure and function are either unavailable or do not agree on the potential impact of this missense change. The variant allele was found at a frequency of 5.2e-05 in 153410 control chromosomes. The available data on variant occurrences in the general population are insufficient to allow any conclusion about variant significance. To our knowledge, no occurrence of c.11759A>T in individuals affected with ZNF469-related conditions and no experimental evidence demonstrating its impact on protein function have been reported. ClinVar contains an entry for this variant (Variation ID: 1437060). Based on the evidence outlined above, the variant was classified as uncertain significance.

PreventionGenetics, part of Exact Sciences
Classification: Uncertain significance for ZNF469-related condition. Last evaluated: 2025-11-24. Review status: criteria provided, single submitter. Criteria: ACMG Guidelines, 2015. Collection method: clinical testing. Allele origin: germline.
Comment: The ZNF469 c.11675A>T variant is predicted to result in the amino acid substitution p.His3892Leu. To our knowledge, this variant has not been reported in the literature. This variant is reported in 0.011% of alleles in individuals of Ashkenazi Jewish descent in gnomAD. At this time, the clinical significance of this variant is uncertain due to the absence of conclusive functional and genetic evidence.

CeGaT Center for Human Genetics Tuebingen
Classification: Uncertain significance. Last evaluated: 2025-07-01. Review status: criteria provided, single submitter. Criteria: CeGaT Center For Human Genetics Tuebingen Variant Classification Criteria Version 2. Collection method: clinical testing. Allele origin: germline. Affected: yes. Observed: 1 variant allele.
Comment: ZNF469: PM2, BP4

Labcorp Genetics (formerly Invitae), Labcorp
Classification: Uncertain significance. Last evaluated: 2022-06-16. Review status: criteria provided, single submitter. Criteria: Invitae Variant Classification Sherloc (09022015). Collection method: clinical testing. Allele origin: germline.
Comment: This sequence change replaces histidine, which is basic and polar, with leucine, which is neutral and non-polar, at codon 3892 of the ZNF469 protein (p.His3892Leu). This variant is present in population databases (rs188087134, gnomAD 0.01%). This variant has not been reported in the literature in individuals affected with ZNF469-related conditions. Algorithms developed to predict the effect of missense changes on protein structure and function (SIFT, PolyPhen-2, Align-GVGD) all suggest that this variant is likely to be tolerated. In summary, the available evidence is currently insufficient to determine the role of this variant in disease. Therefore, it has been classified as a Variant of Uncertain Significance.

Breakthrough Genomics
Classification: Uncertain significance. Review status: criteria provided, single submitter. Criteria: ACMG Guidelines, 2015. Collection method: not provided. Allele origin: germline. Inheritance: Autosomal recessive inheritance. Affected: yes.